The following is an entry in ClinVar:

ClinVar aggregate classification (germline): Uncertain significance (1 of 4 stars; one submission).

Conditions:
Leigh syndrome (NULS). Also called: Leigh's necrotizing encephalopathy; Leigh's disease; Leigh Syndrome (mtDNA deletion); Leigh Disease; Subacute necrotizing encephalopathy; Necrotizing encephalopathy infantile subacute of Leigh. Identifiers: Orphanet 506, MedGen C2931891, MONDO:0009723, OMIM 256000.

Submission:

Wong Mito Lab, Molecular and Human Genetics, Baylor College of Medicine
Classification: Uncertain significance for Leigh syndrome. Last evaluated: 2019-10-17. Review status: criteria provided, single submitter. Criteria: Modified ACMG Guidelines (Unpublished). Collection method: clinical testing. Allele origin: germline.
Comment: The NC_012920.1:m.12560A>G (YP_003024036.1:p.Gln75Arg) variant in MTND5 gene is interpretated to be a Uncertain Significance variant based on the modified ACMG guidelines (unpublished). This variant meets the following evidence codes: PP7, BP4

NC_012920.1(MT-ND5):m.12560A>G

Gene: MT-ND5 (mitochondrially encoded NADH dehydrogenase 5; plus strand).
Variant type: single nucleotide variant.
Genome position: chrM-12560-A-G.
Identifiers: ClinVar variation 693464 (VCV000693464.1), dbSNP rs1603223808, ClinGen allele CA414813762.